The following is an entry in ClinVar:

NM_000540.3(RYR1):c.14702_14716dup (p.Pro4905_Ala4906insGluIleGluAspPro)

Gene: RYR1 (ryanodine receptor 1; plus strand). Cytogenetic location: 19q13.2.
Variant type: Duplication.
Coding change: c.14702_14716dup on transcript NM_000540.3 (MANE Select); coding-DNA positions 14702 to 14716, 15 bases duplicated (AGATCGAGGACCCCG).
Protein change: p.Pro4905_Ala4906insGluIleGluAspPro.
Molecular consequence: inframe insertion.
Genome position (GRCh38, 1-based): chr19:38,584,998-38,585,012, AGATCGAGGACCCCG duplicated; duplicating any 15 consecutive bases within chr19:38,584,996-38,585,012 gives the same sequence; the c. name uses the placement nearest the transcript's 3' end. VCF-style (leftmost placement, unchanged base first): chr19-38584995-A-ACGAGATCGAGGACCC. GRCh37 (hg19) VCF-style: chr19-39075635-A-ACGAGATCGAGGACCC.
Other names: c.14687_14701dup, p.Pro4900_Ala4901insGluIleGluAspPro (NM_001042723.2).
Identifiers: ClinVar variation 2028090 (VCV002028090.4), dbSNP rs2514773128, ClinGen allele CA2580097258.
Genomic context (GRCh38, chr19:38,584,995, plus strand): 5'-TCCCTCAGTGTTACCTGTTTCACATGTACGTGGGTGTCCGGGCTGGCGGAGGCATTGGGG[A>ACGAGATCGAGGACCC]CGAGATCGAGGACCCCGCGGGTGACGAATACGAGCTCTACAGGGTGGTCTTCGACATCAC-3'

ClinVar aggregate classification (germline): Uncertain significance (1 of 4 stars; one submission).

Conditions:
RYR1-related disorder. Also called: RYR1-related condition; RYR1-related disorders. Identifiers: MedGen CN239331.

Submission:

Labcorp Genetics (formerly Invitae), Labcorp
Classification: Uncertain significance for RYR1-related disorder. Last evaluated: 2022-08-31. Review status: criteria provided, single submitter. Criteria: Invitae Variant Classification Sherloc (09022015). Collection method: clinical testing. Allele origin: germline.
Comment: In summary, the available evidence is currently insufficient to determine the role of this variant in disease. Therefore, it has been classified as a Variant of Uncertain Significance. This variant has not been reported in the literature in individuals affected with RYR1-related conditions. This variant is not present in population databases (gnomAD no frequency). This variant, c.14702_14716dup, results in the insertion of 5 amino acid(s) of the RYR1 protein (p.Glu4901_Pro4905dup), but otherwise preserves the integrity of the reading frame.